The following is an entry in ClinVar:

NM_001195518.2(MICU1):c.1270+6T>C

Gene: MICU1 (mitochondrial calcium uptake 1; minus strand). Cytogenetic location: 10q22.1.
Variant type: single nucleotide variant.
Coding change: c.1270+6T>C on transcript NM_001195518.2 (MANE Select); 6 bases into the intron after coding-DNA position 1270, T replaced by C.
Molecular consequence: intron variant.
Genome position (GRCh38, 1-based): chr10:72,375,777, A>G on the plus strand (T>C on the coding strand, the complement: MICU1 is on the minus strand). VCF-style: chr10-72375777-A-G. GRCh37 (hg19) VCF-style: chr10-74135535-A-G.
Other names: c.1276+6T>C (NM_006077.4); c.1288+6T>C (NM_001363513.2); c.676+6T>C (NM_001195519.2).
Identifiers: ClinVar variation 1965992 (VCV001965992.5), dbSNP rs768047330, ClinGen allele CA5550021.

ClinVar aggregate classification (germline): Uncertain significance (1 of 4 stars; one submission).

Allele frequency attached by ClinVar (database versions not stated): ExAC 0.00002; TOPMed below 0.00001; gnomAD exomes below 0.00001.
gnomAD v4.1: 2 of 1,611,372 alleles (0.00012%); highest among the groups gnomAD compares: Non-Finnish European, 0.00017%; no homozygotes.

Submission:

Labcorp Genetics (formerly Invitae), Labcorp
Classification: Uncertain significance. Last evaluated: 2021-12-31. Review status: criteria provided, single submitter. Criteria: Invitae Variant Classification Sherloc (09022015). Collection method: clinical testing. Allele origin: germline.
Comment: In summary, the available evidence is currently insufficient to determine the role of this variant in disease. Therefore, it has been classified as a Variant of Uncertain Significance. Variants that disrupt the consensus splice site are a relatively common cause of aberrant splicing (PMID: 17576681, 9536098). Algorithms developed to predict the effect of sequence changes on RNA splicing suggest that this variant may disrupt the consensus splice site. This variant has not been reported in the literature in individuals affected with MICU1-related conditions. This variant is present in population databases (rs768047330, gnomAD 0.002%). This sequence change falls in intron 12 of the MICU1 gene. It does not directly change the encoded amino acid sequence of the MICU1 protein. It affects a nucleotide within the consensus splice site.

Literature cited by the submitters: PubMed 17576681; PubMed 9536098.